The following is an entry in ClinVar:

ClinVar aggregate classification (germline): Uncertain significance (1 of 4 stars; one submission).

Conditions:
Joubert syndrome. Also called: CEREBELLOPARENCHYMAL DISORDER IV; JOUBERT-BOLTSHAUSER SYNDROME; Familial aplasia of the vermis. Identifiers: Orphanet 475, MedGen C5979921, MONDO:0018772.

Submission:

Labcorp Genetics (formerly Invitae), Labcorp
Classification: Uncertain significance for Joubert syndrome. Last evaluated: 2021-05-03. Review status: criteria provided, single submitter. Criteria: Invitae Variant Classification Sherloc (09022015). Collection method: clinical testing. Allele origin: germline.
Comment: A copy number gain of the genomic region encompassing the full coding sequence of the AHI1 gene has been identified. The boundaries of this event are unknown as they extend beyond the assayed region for this gene and therefore may encompass additional genes. As the precise location of this event is unknown, it may be in tandem or it may be located elsewhere in the genome. This variant has not been reported in the literature in individuals with AHI1-related conditions. In summary, the available evidence is currently insufficient to determine the role of this variant in disease. Therefore, it has been classified as a Variant of Uncertain Significance.

NC_000006.11:g.(?_135606783)_(135813375_?)dup

Gene: AHI1 (Abelson helper integration site 1; minus strand). Cytogenetic location: 6q23.3.
Variant type: Duplication.
Identifiers: ClinVar variation 1441068 (VCV001441068.5).